The following is an entry in ClinVar:

ClinVar aggregate classification (germline): Uncertain significance. Review status: criteria provided, multiple submitters, no conflicts (2 of 4 stars). 3 submissions from 3 submitters: Uncertain significance (2). 1 of the submissions does not count toward it. Last evaluated 2022-08-09.

Conditions:
Peroxisome biogenesis disorder 3A (Zellweger). Also called: PEROXISOMAL BIOGENESIS DISORDER 3A (ZELLWEGER); Peroxisome biogenesis disorder 3A. Identifiers: Orphanet 912, MedGen C3553929, MONDO:0013927, OMIM 614859.
Peroxisome biogenesis disorder type 3B. Identifiers: Orphanet 44, Orphanet 772, MedGen C3550693, MONDO:0009959, OMIM 266510.

Allele frequency attached by ClinVar (database versions not stated): gnomAD 0.00002; gnomAD exomes 0.00002 and 0.00005; TOPMed 0.00002; ExAC 0.00006.
gnomAD v4.1: 37 of 1,614,018 alleles (0.0023%); highest among the groups gnomAD compares: East Asian, 0.0067%; no homozygotes.

Submissions (3):

Labcorp Genetics (formerly Invitae), Labcorp
Classification: Uncertain significance for Peroxisome biogenesis disorder 3A (Zellweger). Last evaluated: 2022-08-09. Review status: criteria provided, single submitter. Criteria: Invitae Variant Classification Sherloc (09022015). Collection method: clinical testing. Allele origin: germline.
Comment: This sequence change replaces isoleucine, which is neutral and non-polar, with valine, which is neutral and non-polar, at codon 117 of the PEX12 protein (p.Ile117Val). This variant is present in population databases (rs767207001, gnomAD 0.04%). This variant has not been reported in the literature in individuals affected with PEX12-related conditions. ClinVar contains an entry for this variant (Variation ID: 283389). Algorithms developed to predict the effect of missense changes on protein structure and function output the following: SIFT: "Tolerated"; PolyPhen-2: "Benign"; Align-GVGD: "Class C0". The valine amino acid residue is found in multiple mammalian species, which suggests that this missense change does not adversely affect protein function. In summary, the available evidence is currently insufficient to determine the role of this variant in disease. Therefore, it has been classified as a Variant of Uncertain Significance.

Eurofins Ntd Llc (ga)
Classification: Uncertain significance. Last evaluated: 2015-09-29. Review status: criteria provided, single submitter. Criteria: EGL Classification Definitions 2015. Collection method: clinical testing. Allele origin: germline. Observed: 1 variant allele, 1 heterozygote.

Counsyl
Classification: Uncertain significance for Peroxisome biogenesis disorder type 3B; Peroxisome biogenesis disorder 3A (Zellweger). Last evaluated: 2017-06-20. Review status: no assertion criteria provided. Collection method: clinical testing. Allele origin: unknown. Not counted in ClinVar's aggregate classification.

NM_000286.3(PEX12):c.349A>G (p.Ile117Val)

Gene: PEX12 (peroxisomal biogenesis factor 12; minus strand). Cytogenetic location: 17q12.
Variant type: single nucleotide variant.
Coding change: c.349A>G on transcript NM_000286.3 (MANE Select); coding-DNA position 349, A replaced by G.
Protein change: p.Ile117Val; replaces isoleucine 117 with valine.
Molecular consequence: missense variant.
Genome position (GRCh38, 1-based): chr17:35,577,369, T>C on the plus strand (A>G on the coding strand, the complement: PEX12 is on the minus strand). VCF-style: chr17-35577369-T-C. GRCh37 (hg19) VCF-style: chr17-33904388-T-C.
Other names: short protein forms I117V.
Identifiers: ClinVar variation 283389 (VCV000283389.11), dbSNP rs767207001, ClinGen allele CA8504921.